The following is an entry in ClinVar:

NM_001399.5(EDA):c.1033A>G (p.Thr345Ala)

Gene: EDA (ectodysplasin A; plus strand). Cytogenetic location: Xq13.1.
Variant type: single nucleotide variant.
Coding change: c.1033A>G on transcript NM_001399.5 (MANE Select); coding-DNA position 1033, A replaced by G.
Protein change: p.Thr345Ala; replaces threonine 345 with alanine.
Molecular consequence: missense variant.
Genome position (GRCh38, 1-based): chrX:70,035,466, A>G. VCF-style: chrX-70035466-A-G. GRCh37 (hg19) VCF-style: chrX-69255316-A-G.
Other names: c.1027A>G, p.Thr343Ala (NM_001005609.2); c.1018A>G, p.Thr340Ala (NM_001005612.3); c.1024A>G, p.Thr342Ala (NM_001440761.1); c.991A>G, p.Thr331Ala (NM_001440762.1); short protein forms T331A, T340A, T342A, T343A, T345A.
Identifiers: ClinVar variation 4292176 (VCV004292176.1).

ClinVar aggregate classification (germline): Uncertain significance (1 of 4 stars; one submission).

Conditions:
Hypohidrotic X-linked ectodermal dysplasia (XHED). Also called: Anhidrotic ectodermal dysplasia X-linked; Christ Siemens Touraine syndrome; ECTODERMAL DYSPLASIA 1, HYPOHIDROTIC, X-LINKED; ECTODERMAL DYSPLASIA 1, HYPOHIDROTIC/HAIR/TOOTH TYPE, X-LINKED; ECTODERMAL DYSPLASIA, HYPOHIDROTIC, 1; CST SYNDROME. Identifiers: Orphanet 181, Orphanet 238468, MedGen C0162359, MONDO:0010585, OMIM 305100.

Submission:

3billion
Classification: Uncertain significance for Hypohidrotic X-linked ectodermal dysplasia. Last evaluated: 2024-06-12. Review status: criteria provided, single submitter. Criteria: ACMG Guidelines, 2015. Collection method: clinical testing. Allele origin: germline. Affected: yes.
Comment: The variant is not observed in the gnomAD v4.0.0 dataset. Predicted Consequence/Location: Missense variant In silico tool predictions suggest damaging effect of the variant on gene or gene product [REVEL: 0.93 (>=0.6, sensitivity 0.68 and specificity 0.92); 3Cnet: 0.92 (>=0.6, sensitivity 0.72 and precision 0.9)]. Therefore, this variant is classified as VUS according to the recommendation of ACMG/AMP guideline.